The following is an entry in ClinVar:

NM_152617.4(RNF168):c.556A>G (p.Ile186Val)

Gene: RNF168 (ring finger protein 168; minus strand). Cytogenetic location: 3q29.
Variant type: single nucleotide variant.
Coding change: c.556A>G on transcript NM_152617.4 (MANE Select); coding-DNA position 556, A replaced by G.
Protein change: p.Ile186Val; replaces isoleucine 186 with valine.
Molecular consequence: missense variant.
Genome position (GRCh38, 1-based): chr3:196,487,401, T>C on the plus strand (A>G on the coding strand, the complement: RNF168 is on the minus strand). VCF-style: chr3-196487401-T-C. GRCh37 (hg19) VCF-style: chr3-196214272-T-C.
Other names: short protein forms I186V.
Identifiers: ClinVar variation 3608546 (VCV003608546.3).

ClinVar aggregate classification (germline): Uncertain significance. Review status: criteria provided, multiple submitters, no conflicts (2 of 4 stars). 2 submissions from 2 submitters: Uncertain significance (2). Last evaluated 2025-11-13.

Conditions:
Inborn genetic diseases. Identifiers: MedGen C0950123, MeSH D030342.

gnomAD v4.1: 16 of 1,613,486 alleles (0.00099%); highest among the groups gnomAD compares: South Asian, 0.012%; no homozygotes.

Submissions (2):

Ambry Genetics
Classification: Uncertain significance for Inborn genetic diseases. Last evaluated: 2025-11-13. Review status: criteria provided, single submitter. Criteria: Ambry Variant Classification Scheme 2023. Collection method: clinical testing. Allele origin: germline.

Labcorp Genetics (formerly Invitae), Labcorp
Classification: Uncertain significance. Last evaluated: 2025-01-06. Review status: criteria provided, single submitter. Criteria: Invitae Variant Classification Sherloc (09022015). Collection method: clinical testing. Allele origin: germline.
Comment: This sequence change replaces isoleucine, which is neutral and non-polar, with valine, which is neutral and non-polar, at codon 186 of the RNF168 protein (p.Ile186Val). This variant is present in population databases (rs564496254, gnomAD 0.02%). This variant has not been reported in the literature in individuals affected with RNF168-related conditions. An algorithm developed to predict the effect of missense changes on protein structure and function (PolyPhen-2) suggests that this variant is likely to be tolerated. In summary, the available evidence is currently insufficient to determine the role of this variant in disease. Therefore, it has been classified as a Variant of Uncertain Significance.